The following is an entry in ClinVar:

NM_002336.3(LRP6):c.1756G>A (p.Val586Met)

Gene: LRP6 (LDL receptor related protein 6; minus strand). Cytogenetic location: 12p13.2.
Variant type: single nucleotide variant.
Coding change: c.1756G>A on transcript NM_002336.3 (MANE Select); coding-DNA position 1756, G replaced by A.
Protein change: p.Val586Met; replaces valine 586 with methionine.
Molecular consequence: missense variant. On other transcripts: non-coding transcript variant (1), intron variant (1).
Genome position (GRCh38, 1-based): chr12:12,165,085, C>T on the plus strand (G>A on the coding strand, the complement: LRP6 is on the minus strand). VCF-style: chr12-12165085-C-T. GRCh37 (hg19) VCF-style: chr12-12318019-C-T.
Other names: c.1756G>A, p.Val586Met (NM_001414244.1, NM_001414245.1, NM_001414246.1 and 4 more transcripts); c.1558G>A, p.Val520Met (NM_001414247.1); c.1303G>A, p.Val435Met (NM_001414252.1, NM_001414253.1, NM_001414254.1); c.1546-2666G>A (NM_001414255.1); short protein forms V435M, V520M, V586M.
Identifiers: ClinVar variation 4764475 (VCV004764475.1).
Genomic context (GRCh38, chr12:12,165,085, plus strand): 5'-CCATCTTTTTTCATTCCTGGTTCCCATTTCTAAGAAAGCTTTGGAGTTACTCACCAATCA[C>T]TCGATGAACATTTGTAGCCTTTAGGCCCATGAGGTCAGGCAGCTGATCTATGATCACTTC-3'
Protein context (NP_002327.2, residues 576-596): MGLKATNVHR[Val586Met]IGSNPCAEEN

ClinVar aggregate classification (germline): Uncertain significance (1 of 4 stars; one submission).

Submission:

Labcorp Genetics (formerly Invitae), Labcorp
Classification: Uncertain significance. Last evaluated: 2026-01-14. Review status: criteria provided, single submitter. Criteria: Invitae Variant Classification Sherloc (09022015). Collection method: clinical testing. Allele origin: germline.
Comment: This sequence change replaces valine, which is neutral and non-polar, with methionine, which is neutral and non-polar, at codon 586 of the LRP6 protein (p.Val586Met). This variant is not present in population databases (gnomAD no frequency). This variant has not been reported in the literature in individuals affected with LRP6-related conditions. Invitae Evidence Modeling of protein sequence and biophysical properties (such as structural, functional, and spatial information, amino acid conservation, physicochemical variation, residue mobility, and thermodynamic stability) indicates that this missense variant is not expected to disrupt LRP6 protein function with a negative predictive value of 80%. In summary, the available evidence is currently insufficient to determine the role of this variant in disease. Therefore, it has been classified as a Variant of Uncertain Significance.